The following is an entry in ClinVar:

NM_014806.5(RUSC2):c.2477G>A (p.Arg826Gln)

Gene: RUSC2 (RUN and SH3 domain containing 2; plus strand). Cytogenetic location: 9p13.3.
Variant type: single nucleotide variant.
Coding change: c.2477G>A on transcript NM_014806.5 (MANE Select); coding-DNA position 2477, G replaced by A.
Protein change: p.Arg826Gln; replaces arginine 826 with glutamine.
Molecular consequence: missense variant. On other transcripts: 5 prime UTR variant (1), non-coding transcript variant (1).
Genome position (GRCh38, 1-based): chr9:35,555,522, G>A. VCF-style: chr9-35555522-G-A. GRCh37 (hg19) VCF-style: chr9-35555519-G-A.
Other names: c.2477G>A, p.Arg826Gln (NM_001135999.2); c.-158G>A (NM_001330740.2); c.2477G>A (NM_001135999.1); short protein forms R826Q.
Identifiers: ClinVar variation 1519854 (VCV001519854.6), dbSNP rs560566760, ClinGen allele CA192751410.
Genomic context (GRCh38, chr9:35,555,522, plus strand): 5'-AGCAGCCCACAGCCACAGAAAGCCTGCCCCCATGGAGCCACTCCTGTCCTTCTGCTGTCC[G>A]GCCTGCCACCTCCCAGCAGCCGCAGAAGGAGGATCAGAAGATACTGACCTTGACTGAGTA-3'
Protein context (NP_055621.2, residues 816-836): PWSHSCPSAV[Arg826Gln]PATSQQPQKE

ClinVar aggregate classification (germline): Uncertain significance. Review status: criteria provided, multiple submitters, no conflicts (2 of 4 stars). 2 submissions from 2 submitters: Uncertain significance (2). Last evaluated 2025-08-26.

Allele frequency attached by ClinVar (database versions not stated): gnomAD exomes 0.00001; gnomAD 0.00002; TOPMed 0.00003.
gnomAD v4.1: 43 of 1,614,018 alleles (0.0027%); highest among the groups gnomAD compares: Non-Finnish European, 0.003%; 1 homozygote.

Submissions (2):

Ambry Genetics
Classification: Uncertain significance. Last evaluated: 2025-08-26. Review status: criteria provided, single submitter. Criteria: Ambry Variant Classification Scheme 2023. Collection method: clinical testing. Allele origin: germline.

Labcorp Genetics (formerly Invitae), Labcorp
Classification: Uncertain significance. Last evaluated: 2021-08-26. Review status: criteria provided, single submitter. Criteria: Invitae Variant Classification Sherloc (09022015). Collection method: clinical testing. Allele origin: germline.
Comment: This sequence change replaces arginine with glutamine at codon 826 of the RUSC2 protein (p.Arg826Gln). The arginine residue is moderately conserved and there is a small physicochemical difference between arginine and glutamine. This variant is not present in population databases (ExAC no frequency). This variant has not been reported in the literature in individuals affected with RUSC2-related conditions. Algorithms developed to predict the effect of missense changes on protein structure and function output the following: SIFT: "Tolerated"; PolyPhen-2: "Benign"; Align-GVGD: "Class C0". The glutamine amino acid residue is found in multiple mammalian species, which suggests that this missense change does not adversely affect protein function. Algorithms developed to predict the effect of sequence changes on RNA splicing suggest that this variant may create or strengthen a splice site. In summary, the available evidence is currently insufficient to determine the role of this variant in disease. Therefore, it has been classified as a Variant of Uncertain Significance.